The following is an entry in ClinVar:

ClinVar aggregate classification (germline): Conflicting classifications of pathogenicity. Review status: criteria provided, conflicting classifications (1 of 4 stars). 5 submissions from 5 submitters: Uncertain significance (2); Likely benign (3). Last evaluated 2026-07-08.

Conditions:
Hereditary cancer-predisposing syndrome. Also called: Neoplastic Syndromes, Hereditary; Tumor predisposition; Hereditary Cancer Syndrome; Hereditary neoplastic syndrome. Identifiers: Orphanet 140162, MedGen C0027672, MeSH D009386, MONDO:0015356.
Rhabdoid tumor predisposition syndrome 2 (RTPS2). Identifiers: Orphanet 231108, Orphanet 69077, MedGen C2750074, MONDO:0013224, OMIM 613325.

Allele frequency attached by ClinVar (database versions not stated): ExAC 0.00003; gnomAD 0.00003 and 0.00002; 1000 Genomes Project 0.00020; 1000 Genomes Project 30x 0.00031; TOPMed 0.00003; gnomAD exomes 0.00002.
gnomAD v4.1: 38 of 1,578,362 alleles (0.0024%); highest among the groups gnomAD compares: Middle Eastern, 0.017%; no homozygotes.

Submissions (5):

Myriad Genetics, Inc.
Classification: Likely benign for Rhabdoid tumor predisposition syndrome 2. Last evaluated: 2026-07-08. Review status: criteria provided, single submitter. Criteria: Myriad Autosomal Dominant, Autosomal Recessive and X-Linked Classification Criteria (2023). Collection method: clinical testing. Allele origin: unknown.
Comment: This variant is considered likely benign. This variant is intronic and is not expected to impact mRNA splicing.

Labcorp Genetics (formerly Invitae), Labcorp
Classification: Likely benign for Rhabdoid tumor predisposition syndrome 2. Last evaluated: 2026-01-06. Review status: criteria provided, single submitter. Criteria: Invitae Variant Classification Sherloc (09022015). Collection method: clinical testing. Allele origin: germline.

Blueprint Genetics
Classification: Likely benign. Last evaluated: 2024-09-21. Review status: criteria provided, single submitter. Criteria: ACMG Guidelines, 2015. Collection method: clinical testing. Allele origin: germline.

Institute for Clinical Genetics, University Hospital TU Dresden, University Hospital TU Dresden
Classification: Uncertain significance. Last evaluated: 2021-11-03. Review status: criteria provided, single submitter. Criteria: ACMG Guidelines, 2015. Collection method: clinical testing. Allele origin: germline.

Sema4
Classification: Uncertain significance for Hereditary cancer-predisposing syndrome. Last evaluated: 2021-09-25. Review status: criteria provided, single submitter. Criteria: Sema4 Curation Guidelines. Collection method: curation. Allele origin: germline.
Comment: The SMARCA4 c.4865-13C>T variant has not been reported in the literature to our knowledge. It was not observed in the large and broad cohorts of the Genome Aggregation Database, and has not been reported in ClinVar. In silico tools suggest the variant does not disrupt splicing, though these predictions have not been confirmed by functional studies. The evidence is insufficient to meet ACMG/AMP criteria for classifying the variant as benign or pathogenic. Thus, the clinical significance of this variant is currently uncertain.

NM_003072.5(SMARCA4):c.4769-13C>T

Gene: SMARCA4 (SWI/SNF related BAF chromatin remodeling complex subunit ATPase 4; plus strand). Cytogenetic location: 19p13.2.
Variant type: single nucleotide variant.
Coding change: c.4769-13C>T on transcript NM_003072.5 (MANE Select); 13 bases into the intron before coding-DNA position 4769, C replaced by T.
Molecular consequence: intron variant.
Genome position (GRCh38, 1-based): chr19:11,060,032, C>T. VCF-style: chr19-11060032-C-T. GRCh37 (hg19) VCF-style: chr19-11170708-C-T.
Other names: c.4769-13C>T (NM_001128844.3); c.4865-13C>T (NM_001128849.3, NM_001387283.1); c.4670-13C>T (NM_001128847.4, NM_001374457.1); c.4679-13C>T (NM_001128845.2); c.4676-13C>T (NM_001128846.2); c.4667-13C>T (NM_001128848.2).
Identifiers: ClinVar variation 1319305 (VCV001319305.13), dbSNP rs532169644, ClinGen allele CA9204880.
Genomic context (GRCh38, chr19:11,060,032, plus strand): 5'-CCAGACGCCCCTTGCTGTGGGGGTGCTGCATTCCCAGAGCTCAAGGCTGTCTTTCCCTCC[C>T]GGTCCCCTCCAGCTCGGTCCGTCAAAGTGAAGATCAAGCTTGGCCGGAAGGAGAAGGCAC-3'